The following is an entry in ClinVar:

ClinVar aggregate classification (germline): Uncertain significance (1 of 4 stars; one submission).

Conditions:
Fanconi anemia (FA). Also called: Fanconi's anemia. Identifiers: Orphanet 84, MedGen C0015625, MeSH D005199, MONDO:0019391.

Submission:

Labcorp Genetics (formerly Invitae), Labcorp
Classification: Uncertain significance for Fanconi anemia. Last evaluated: 2025-12-23. Review status: criteria provided, single submitter. Criteria: Invitae Variant Classification Sherloc (09022015). Collection method: clinical testing. Allele origin: germline.
Comment: This sequence change falls in intron 19 of the FANCA gene. It does not directly change the encoded amino acid sequence of the FANCA protein. It affects a nucleotide within the consensus splice site. This variant is not present in population databases (gnomAD no frequency). This variant has not been reported in the literature in individuals affected with FANCA-related conditions. Variants that disrupt the consensus splice site are a relatively common cause of aberrant splicing (PMID: 17576681, 9536098). Algorithms developed to predict the effect of sequence changes on RNA splicing suggest that this variant may disrupt the consensus splice site. In summary, the available evidence is currently insufficient to determine the role of this variant in disease. Therefore, it has been classified as a Variant of Uncertain Significance.

Literature cited by the submitters: PubMed 17576681; PubMed 9536098.

NM_000135.4(FANCA):c.1776+5G>C

Gene: FANCA (FA complementation group A; minus strand). Cytogenetic location: 16q24.3.
Variant type: single nucleotide variant.
Coding change: c.1776+5G>C on transcript NM_000135.4 (MANE Select); 5 bases into the intron after coding-DNA position 1776, G replaced by C.
Molecular consequence: intron variant.
Genome position (GRCh38, 1-based): chr16:89,778,938, C>G on the plus strand (G>C on the coding strand, the complement: FANCA is on the minus strand). VCF-style: chr16-89778938-C-G. GRCh37 (hg19) VCF-style: chr16-89845346-C-G.
Other names: c.1776+5G>C (NM_001286167.3).
Identifiers: ClinVar variation 4732140 (VCV004732140.1).